The following is an entry in ClinVar:

ClinVar aggregate classification (germline): Uncertain significance (1 of 4 stars; one submission).

Conditions:
Baller-Gerold syndrome (BGS). Also called: CRANIOSYNOSTOSIS WITH RADIAL DEFECTS. Identifiers: Orphanet 1225, MedGen C0265308, MONDO:0009039, OMIM 218600.

gnomAD v4.1: 1 of 1,581,946 alleles (0.000063%); highest among the groups gnomAD compares: Non-Finnish European, 0.000086%; no homozygotes.

Submission:

Labcorp Genetics (formerly Invitae), Labcorp
Classification: Uncertain significance for Baller-Gerold syndrome. Last evaluated: 2023-09-05. Review status: criteria provided, single submitter. Criteria: Invitae Variant Classification Sherloc (09022015). Collection method: clinical testing. Allele origin: germline.
Comment: In summary, the available evidence is currently insufficient to determine the role of this variant in disease. Therefore, it has been classified as a Variant of Uncertain Significance. Advanced modeling of protein sequence and biophysical properties (such as structural, functional, and spatial information, amino acid conservation, physicochemical variation, residue mobility, and thermodynamic stability) performed at Invitae indicates that this missense variant is not expected to disrupt RECQL4 protein function. This variant has not been reported in the literature in individuals affected with RECQL4-related conditions. The frequency data for this variant in the population databases is considered unreliable, as metrics indicate poor data quality at this position in the gnomAD database. This sequence change replaces arginine, which is basic and polar, with lysine, which is basic and polar, at codon 894 of the RECQL4 protein (p.Arg894Lys).

NM_004260.4(RECQL4):c.2681G>A (p.Arg894Lys)

Gene: RECQL4 (RecQ like helicase 4; minus strand). Cytogenetic location: 8q24.3.
Variant type: single nucleotide variant.
Coding change: c.2681G>A on transcript NM_004260.4 (MANE Select); coding-DNA position 2681, G replaced by A.
Protein change: p.Arg894Lys; replaces arginine 894 with lysine.
Molecular consequence: missense variant. On other transcripts: non-coding transcript variant (3).
Genome position (GRCh38, 1-based): chr8:144,512,921, C>T on the plus strand (G>A on the coding strand, the complement: RECQL4 is on the minus strand). VCF-style: chr8-144512921-C-T. GRCh37 (hg19) VCF-style: chr8-145738304-C-T.
Other names: c.2387G>A, p.Arg796Lys (NM_001413017.1); c.2483G>A, p.Arg828Lys (NM_001413018.1); c.2681G>A, p.Arg894Lys (NM_001413019.1, NM_001413036.1); c.2585G>A, p.Arg862Lys (NM_001413020.1); c.1610G>A, p.Arg537Lys (NM_001413021.1, NM_001413022.1, NM_001413023.1 and 5 more transcripts); c.2552G>A, p.Arg851Lys (NM_001413025.1); c.1544G>A, p.Arg515Lys (NM_001413027.1, NM_001413030.1, NM_001413032.1 and 1 more transcripts); c.2330G>A, p.Arg777Lys (NM_001413029.1); and 6 more; short protein forms R884K, R493K, R515K, R796K, R828K, R471K, R851K, R862K.
Identifiers: ClinVar variation 3001834 (VCV003001834.3), dbSNP rs1206178457, ClinGen allele CA372675341.